The following is an entry in ClinVar:

ClinVar aggregate classification (germline): Pathogenic/Likely pathogenic. Review status: criteria provided, multiple submitters, no conflicts (2 of 4 stars). 2 submissions from 2 submitters: Pathogenic (1); Likely pathogenic (1). Last evaluated 2024-06-10.

Conditions:
Xeroderma pigmentosum, group F (XPF). Also called: XERODERMA PIGMENTOSUM, COMPLEMENTATION GROUP F; XERODERMA PIGMENTOSUM VI; XP, GROUP F; ERCC4-Related Xeroderma Pigmentosum; XERODERMA PIGMENTOSUM, TYPE F; Xeroderma pigmentosum, type 6. Identifiers: MedGen C0268140, MONDO:0010215, OMIM 278760.
Fanconi anemia complementation group Q. Identifiers: Orphanet 84, MedGen C3808988, MONDO:0014108, OMIM 615272.
Cockayne syndrome. Identifiers: Orphanet 191, MedGen C0009207, MONDO:0016006.

Submissions (2):

Labcorp Genetics (formerly Invitae), Labcorp
Classification: Pathogenic for Fanconi anemia complementation group Q; Xeroderma pigmentosum, group F; Cockayne syndrome. Last evaluated: 2024-06-10. Review status: criteria provided, single submitter. Criteria: Invitae Variant Classification Sherloc (09022015). Collection method: clinical testing. Allele origin: germline.
Comment: This sequence change creates a premature translational stop signal (p.Glu628Leufs*6) in the ERCC4 gene. It is expected to result in an absent or disrupted protein product. Loss-of-function variants in ERCC4 are known to be pathogenic (PMID: 9580660). This variant is present in population databases (rs772899497, gnomAD 0.03%). This variant has not been reported in the literature in individuals affected with ERCC4-related conditions. ClinVar contains an entry for this variant (Variation ID: 964961). Algorithms developed to predict the effect of sequence changes on RNA splicing suggest that this variant may disrupt the consensus splice site. For these reasons, this variant has been classified as Pathogenic.

Revvity Omics, Revvity
Classification: Likely pathogenic. Last evaluated: 2024-04-15. Review status: criteria provided, single submitter. Criteria: ACMG Guidelines, 2015. Collection method: clinical testing. Allele origin: germline.

Literature cited by the submitters: PubMed 9580660 (cited by Labcorp Genetics (formerly Invitae), Labcorp).

NM_005236.3(ERCC4):c.1882_1885del (p.Glu628fs)

Gene: ERCC4 (ERCC excision repair 4, endonuclease catalytic subunit; plus strand). Cytogenetic location: 16p13.12.
Variant type: Deletion.
Coding change: c.1882_1885del on transcript NM_005236.3 (MANE Select); coding-DNA positions 1882 to 1885, 4 bases deleted (GAAG; older notation c.1882_1885delGAAG).
Protein change: p.Glu628fs; shifts the reading frame from glutamic acid 628.
Molecular consequence: frameshift variant.
Genome position (GRCh38, 1-based): chr16:13,937,836-13,937,839, GAAG deleted; deleting any 4 consecutive bases within chr16:13,937,833-13,937,839 gives the same sequence; the c. name uses the placement nearest the transcript's 3' end. VCF-style (leftmost placement, unchanged base first): chr16-13937832-AAAGG-A. GRCh37 (hg19) VCF-style: chr16-14031689-AAAGG-A.
Other names: short protein forms E628fs.
Identifiers: ClinVar variation 964961 (VCV000964961.9), dbSNP rs772899497, ClinGen allele CA7910581.